The following is an entry in ClinVar:

ClinVar aggregate classification (germline): Benign (0 of 4 stars; one submission).

Conditions:
ZNF462-related disorder. Also called: ZNF462-related condition; ZNF462 related disease.

Allele frequency attached by ClinVar (database versions not stated): ESP Exome Variant Server 0.00008; 1000 Genomes Project 30x 0.00062; 1000 Genomes Project 0.00080.
gnomAD v4.1: 901 of 1,612,300 alleles (0.056%); highest among the groups gnomAD compares: East Asian, 1.2%; 5 homozygotes.

Submission:

PreventionGenetics, part of Exact Sciences
Classification: Benign for ZNF462-related condition. Last evaluated: 2021-10-15. Review status: no assertion criteria provided. Collection method: clinical testing. Allele origin: germline.
Comment: This variant is classified as benign based on ACMG/AMP sequence variant interpretation guidelines (Richards et al. 2015 PMID: 25741868, with internal and published modifications).

NM_021224.6(ZNF462):c.*2C>T

Genes: ZNF462 (zinc finger protein 462; plus strand), LOC340512 (uncharacterized LOC340512; minus strand). Cytogenetic location: 9q31.2.
Variant type: single nucleotide variant.
Coding change: c.*2C>T on transcript NM_021224.6 (MANE Select); 2 bases downstream of the stop codon, C replaced by T.
Molecular consequence: 3 prime UTR variant.
Genome position (GRCh38, 1-based): chr9:107,011,032, C>T. VCF-style: chr9-107011032-C-T. GRCh37 (hg19) VCF-style: chr9-109773313-C-T.
Other names: c.*2C>T (NM_001347997.2).
Identifiers: ClinVar variation 3050287 (VCV003050287.2), dbSNP rs148273848, ClinGen allele CA5172522.